The following is an entry in ClinVar:

ClinVar aggregate classification (germline): Uncertain significance (1 of 4 stars; one submission).

gnomAD v4.1: 4 of 1,613,084 alleles (0.00025%); highest among the groups gnomAD compares: African/African-American, 0.0013%; no homozygotes.

Submission:

Mayo Clinic Laboratories, Mayo Clinic
Classification: Uncertain significance. Last evaluated: 2025-07-09. Review status: criteria provided, single submitter. Criteria: ACMG Guidelines, 2015. Collection method: clinical testing. Allele origin: germline. Observed: 1 variant allele.
Comment: PP3_moderate, PM2_supporting

NM_001953.5(TYMP):c.388G>A (p.Ala130Thr)

Gene: TYMP (thymidine phosphorylase; minus strand). Cytogenetic location: 22q13.33.
Variant type: single nucleotide variant.
Coding change: c.388G>A on transcript NM_001953.5 (MANE Select); coding-DNA position 388, G replaced by A.
Protein change: p.Ala130Thr; replaces alanine 130 with threonine.
Molecular consequence: missense variant.
Genome position (GRCh38, 1-based): chr22:50,529,165, C>T on the plus strand (G>A on the coding strand, the complement: TYMP is on the minus strand). VCF-style: chr22-50529165-C-T. GRCh37 (hg19) VCF-style: chr22-50967594-C-T.
Other names: p.Ala130Thr; c.388G>A, p.Ala130Thr (NM_001113755.3, NM_001113756.3, NM_001257988.1 and 1 more transcripts); short protein forms A130T.
Identifiers: ClinVar variation 4542472 (VCV004542472.1).